The following is an entry in ClinVar:

NM_000359.3(TGM1):c.1966C>A (p.Arg656=)

Gene: TGM1 (transglutaminase 1; minus strand). Cytogenetic location: 14q12.
Variant type: single nucleotide variant.
Coding change: c.1966C>A on transcript NM_000359.3 (MANE Select); coding-DNA position 1966, C replaced by A.
Protein change: p.Arg656=; no amino-acid change (arginine 656 retained).
Molecular consequence: synonymous variant.
Genome position (GRCh38, 1-based): chr14:24,254,786, G>T on the plus strand (C>A on the coding strand, the complement: TGM1 is on the minus strand). VCF-style: chr14-24254786-G-T. GRCh37 (hg19) VCF-style: chr14-24723992-G-T.
Other names: c.1966C>A (NM_000359.2).
Identifiers: ClinVar variation 1136712 (VCV001136712.10), dbSNP rs144318024, ClinGen allele CA7130931.

ClinVar aggregate classification (germline): Likely benign. Review status: criteria provided, multiple submitters, no conflicts (2 of 4 stars). 2 submissions from 2 submitters: Likely benign (2). Last evaluated 2026-07-24.

Conditions:
TGM1-related disorder. Also called: TGM1-related condition.

Allele frequency attached by ClinVar (database versions not stated): gnomAD 0.00023 and 0.00024; ESP Exome Variant Server 0.00031.

Submissions (2):

PreventionGenetics, part of Exact Sciences
Classification: Likely benign for TGM1-related condition. Last evaluated: 2026-07-24. Review status: criteria provided, single submitter. Criteria: ACMG Guidelines, 2015. Collection method: clinical testing. Allele origin: germline.
Comment: This variant is classified as likely benign based on ACMG/AMP sequence variant interpretation guidelines (Richards et al. 2015 PMID: 25741868, with internal and published modifications).

Labcorp Genetics (formerly Invitae), Labcorp
Classification: Likely benign. Last evaluated: 2025-06-03. Review status: criteria provided, single submitter. Criteria: Invitae Variant Classification Sherloc (09022015). Collection method: clinical testing. Allele origin: germline.